The following is an entry in ClinVar:

NM_005334.3(HCFC1):c.3976G>A (p.Glu1326Lys)

Gene: HCFC1 (host cell factor C1; minus strand). Cytogenetic location: Xq28.
Variant type: single nucleotide variant.
Coding change: c.3976G>A on transcript NM_005334.3 (MANE Select); coding-DNA position 3976, G replaced by A.
Protein change: p.Glu1326Lys; replaces glutamic acid 1326 with lysine.
Molecular consequence: missense variant.
Genome position (GRCh38, 1-based): chrX:153,954,423, C>T on the plus strand (G>A on the coding strand, the complement: HCFC1 is on the minus strand). VCF-style: chrX-153954423-C-T. GRCh37 (hg19) VCF-style: chrX-153219874-C-T.
Other names: c.3976G>A, p.Glu1326Lys (NM_001410705.1); short protein forms E1326K.
Identifiers: ClinVar variation 2661768 (VCV002661768.27), dbSNP rs1569546724, ClinGen allele CA415118394.

ClinVar aggregate classification (germline): Conflicting classifications of pathogenicity. Review status: criteria provided, conflicting classifications (1 of 4 stars). 2 submissions from 2 submitters: Uncertain significance (1); Likely benign (1). Last evaluated 2023-08-29.

Conditions:
Methylmalonic acidemia with homocystinuria, type cblX (MAHCX). Also called: INTELLECTUAL DEVELOPMENTAL DISORDER, X-LINKED 3. Identifiers: Orphanet 369962, MedGen C0796208, MONDO:0010657, OMIM 309541.

Allele frequency attached by ClinVar (database versions not stated): gnomAD exomes 0.00001; TOPMed 0.00001.
gnomAD v4.1: 6 of 1,211,845 alleles (0.0005%); highest among the groups gnomAD compares: African/African-American, 0.0017%; no homozygotes.

Submissions (2):

Labcorp Genetics (formerly Invitae), Labcorp
Classification: Likely benign for Methylmalonic acidemia with homocystinuria, type cblX. Last evaluated: 2023-08-29. Review status: criteria provided, single submitter. Criteria: Invitae Variant Classification Sherloc (09022015). Collection method: clinical testing. Allele origin: germline.

CeGaT Center for Human Genetics Tuebingen
Classification: Uncertain significance. Last evaluated: 2022-09-01. Review status: criteria provided, single submitter. Criteria: CeGaT Center For Human Genetics Tuebingen Variant Classification Criteria Version 2. Collection method: clinical testing. Allele origin: germline. Affected: yes. Observed: 1 variant allele.
Comment: HCFC1: PP2